The following is an entry in ClinVar:

NM_001384732.1(CPLANE1):c.4134T>C (p.Pro1378=)

Gene: CPLANE1 (ciliogenesis and planar polarity effector complex subunit 1; minus strand). Cytogenetic location: 5p13.2.
Variant type: single nucleotide variant.
Coding change: c.4134T>C on transcript NM_001384732.1 (MANE Select); coding-DNA position 4134, T replaced by C.
Protein change: p.Pro1378=; no amino-acid change (proline 1378 retained).
Molecular consequence: synonymous variant.
Genome position (GRCh38, 1-based): chr5:37,186,341, A>G on the plus strand (T>C on the coding strand, the complement: CPLANE1 is on the minus strand). VCF-style: chr5-37186341-A-G. GRCh37 (hg19) VCF-style: chr5-37186443-A-G.
Other names: c.4134T>C, p.Pro1378= (NM_023073.4).
Identifiers: ClinVar variation 158035 (VCV000158035.24), dbSNP rs79935028, ClinGen allele CA171435.
Genomic context (GRCh38, chr5:37,186,341, plus strand): 5'-AATACCTTTCACAACACAGTGTCTGAGTCTCTGGTGAAGAGAGTGATATTTGTCTCTTAA[A>G]GGAACCCTCACGTCCTCAGGATAGGGAAATGCTTTCACGAAAATTTCTGCTACCTTCAGA-3'
Protein context (NP_001371661.1, residues 1368-1388): AFPYPEDVRV[Pro1378=]LRDKYHSLHQ

ClinVar aggregate classification (germline): Benign/Likely benign. Review status: criteria provided, multiple submitters, no conflicts (2 of 4 stars). 8 submissions from 8 submitters: Benign (4); Likely benign (2). 2 of the submissions do not count toward it. Last evaluated 2026-02-01.

Conditions:
Joubert syndrome 17 (JBTS17). Identifiers: Orphanet 475, MedGen C3553264, MONDO:0013824, OMIM 614615.
Orofaciodigital syndrome type 6 (OFD6). Also called: OROFACIODIGITAL SYNDROME VI; OFDS VI; POLYDACTYLY, CLEFT LIP/PALATE OR LINGUAL LUMP, AND PSYCHOMOTOR RETARDATION; VARADI SYNDROME; VARADI-PAPP SYNDROME; Oral-facial-digital syndrome type 6. Identifiers: Orphanet 2754, MedGen C2745997, MONDO:0010176, OMIM 277170.

Allele frequency attached by ClinVar (database versions not stated): gnomAD exomes 0.00149 and 0.00052; ExAC 0.00190; gnomAD 0.00605 and 0.00635; ESP Exome Variant Server 0.00630; TOPMed 0.00655; 1000 Genomes Project 30x 0.00781; 1000 Genomes Project 0.00839.
gnomAD v4.1: 1,720 of 1,607,824 alleles (0.11%); highest among the groups gnomAD compares: African/African-American, 2%; 17 homozygotes.

Submissions (8):

Labcorp Genetics (formerly Invitae), Labcorp
Classification: Benign. Last evaluated: 2026-02-01. Review status: criteria provided, single submitter. Criteria: Invitae Variant Classification Sherloc (09022015). Collection method: clinical testing. Allele origin: germline.

Fulgent Genetics
Classification: Likely benign for Orofaciodigital syndrome type 6; Joubert syndrome 17. Last evaluated: 2021-12-29. Review status: criteria provided, single submitter. Criteria: ACMG Guidelines, 2015. Collection method: clinical testing. Allele origin: unknown.

Illumina Laboratory Services, Illumina
Classification: Benign for Joubert syndrome 17. Last evaluated: 2018-01-12. Review status: criteria provided, single submitter. Criteria: ICSL Variant Classification Criteria 13 December 2019. Collection method: clinical testing. Allele origin: germline.
Comment: This variant was observed in the ICSL laboratory as part of a predisposition screen in an ostensibly healthy population. It had not been previously curated by ICSL or reported in the Human Gene Mutation Database (HGMD: prior to June 1st, 2018), and was therefore a candidate for classification through an automated scoring system. Utilizing variant allele frequency, disease prevalence and penetrance estimates, and inheritance mode, an automated score was calculated to assess if this variant is too frequent to cause the disease. Based on the score and internal cut-off values, a variant classified as benign is not then subjected to further curation. The score for this variant resulted in a classification of benign for this disease.

GeneDx
Classification: Benign. Last evaluated: 2017-02-07. Review status: criteria provided, single submitter. Criteria: GeneDx Variant Classification (06012015). Collection method: clinical testing. Allele origin: germline. Affected: yes.
Comment: This variant is considered likely benign or benign based on one or more of the following criteria: it is a conservative change, it occurs at a poorly conserved position in the protein, it is predicted to be benign by multiple in silico algorithms, and/or has population frequency not consistent with disease.

Clinical Genetics DNA and cytogenetics Diagnostics Lab, Erasmus MC, Erasmus Medical Center
Classification: Likely benign for Joubert syndrome 17. Last evaluated: 2015-09-21. Review status: criteria provided, single submitter. Criteria: ACGS Guidelines, 2013. Collection method: clinical testing. Allele origin: germline. Affected: yes. Study: VKGL Data-share Consensus.

PreventionGenetics, part of Exact Sciences
Classification: Benign. Review status: criteria provided, single submitter. Criteria: ACMG Guidelines, 2015. Collection method: clinical testing. Allele origin: germline.

Clinical Genetics, Academic Medical Center
Classification: Benign. Review status: no assertion criteria provided. Collection method: clinical testing. Allele origin: germline. Affected: yes. Study: VKGL Data-share Consensus. Not counted in ClinVar's aggregate classification.

Genetic Services Laboratory, University of Chicago
Classification: Likely benign. Review status: no assertion criteria provided. Collection method: clinical testing. Allele origin: germline. Inheritance: Autosomal recessive inheritance. Not counted in ClinVar's aggregate classification.
Comment: Likely benign based on allele frequency in 1000 Genomes Project or ESP global frequency and its presence in a patient with a rare or unrelated disease phenotype. NOT Sanger confirmed